The following is an entry in ClinVar:

NM_001197104.2(KMT2A):c.3713_3721delinsGGTAG (p.Val1238_Ser1241delinsGlyTer)

Gene: KMT2A (lysine methyltransferase 2A; plus strand). Cytogenetic location: 11q23.3.
Variant type: Indel.
Coding change: c.3713_3721delinsGGTAG on transcript NM_001197104.2 (MANE Select); coding-DNA positions 3713 to 3721, TGGACTCTA replaced by GGTAG.
Protein change: p.Val1238_Ser1241delinsGlyTer.
Molecular consequence: nonsense. On other transcripts: frameshift variant (1).
Genome position (GRCh38, 1-based): chr11:118,481,793-118,481,801, TGGACTCTA replaced by GGTAG. VCF-style: chr11-118481793-TGGACTCTA-GGTAG. GRCh37 (hg19) VCF-style: chr11-118352508-TGGACTCTA-GGTAG.
Other names: c.3713_3721delTGGACTCTAinsGGTAG, p.Val1238Glyfs (NM_001197104.1); c.3812_3820delinsGGTAG, p.Val1271_Ser1274delinsGlyTer (NM_001412597.1); c.3713_3721delinsGGTAG, p.Val1238_Ser1241delinsGlyTer (NM_005933.4).
Identifiers: ClinVar variation 3347692 (VCV003347692.1).

ClinVar aggregate classification (germline): Likely pathogenic (0 of 4 stars; one submission).

Conditions:
KMT2A-related disorder. Also called: KMT2A-related condition.

Submission:

PreventionGenetics, part of Exact Sciences
Classification: Likely pathogenic for KMT2A-related condition. Last evaluated: 2024-07-17. Review status: no assertion criteria provided. Collection method: clinical testing. Allele origin: germline.
Comment: The KMT2A c.3713_3721delinsGGTAG variant is predicted to result in a frameshift and premature protein termination (p.Val1238Glyfs*2). To our knowledge, this variant has not been reported in the literature or in a large population database, indicating this variant is rare. Frameshift variants in KMT2A are expected to be pathogenic. This variant is interpreted as likely pathogenic.